The following is an entry in ClinVar:

ClinVar aggregate classification (germline): Uncertain significance (1 of 4 stars; one submission).

Allele frequency attached by ClinVar (database versions not stated): gnomAD 0.00001; gnomAD exomes 0.00001.
gnomAD v4.1: 4 of 1,613,370 alleles (0.00025%); no homozygotes.

Submission:

Labcorp Genetics (formerly Invitae), Labcorp
Classification: Uncertain significance. Last evaluated: 2024-01-15. Review status: criteria provided, single submitter. Criteria: Invitae Variant Classification Sherloc (09022015). Collection method: clinical testing. Allele origin: germline.
Comment: This sequence change replaces isoleucine, which is neutral and non-polar, with valine, which is neutral and non-polar, at codon 148 of the YME1L1 protein (p.Ile148Val). This variant is present in population databases (no rsID available, gnomAD 0.03%). This variant has not been reported in the literature in individuals affected with YME1L1-related conditions. ClinVar contains an entry for this variant (Variation ID: 1993157). Algorithms developed to predict the effect of missense changes on protein structure and function output the following: SIFT: "Not Available"; PolyPhen-2: "Benign"; Align-GVGD: "Not Available". The valine amino acid residue is found in multiple mammalian species, which suggests that this missense change does not adversely affect protein function. In summary, the available evidence is currently insufficient to determine the role of this variant in disease. Therefore, it has been classified as a Variant of Uncertain Significance.

NM_014263.4(YME1L1):c.271A>G (p.Ile91Val)

Gene: YME1L1 (YME1 like 1 ATPase; minus strand). Cytogenetic location: 10p12.1.
Variant type: single nucleotide variant.
Coding change: c.271A>G on transcript NM_014263.4 (MANE Select); coding-DNA position 271, A replaced by G.
Protein change: p.Ile91Val; replaces isoleucine 91 with valine.
Molecular consequence: missense variant.
Genome position (GRCh38, 1-based): chr10:27,145,488, T>C on the plus strand (A>G on the coding strand, the complement: YME1L1 is on the minus strand). VCF-style: chr10-27145488-T-C. GRCh37 (hg19) VCF-style: chr10-27434417-T-C.
Other names: c.271A>G, p.Ile91Val (NM_001253866.2); c.442A>G, p.Ile148Val (NM_139312.3); short protein forms I148V, I91V.
Identifiers: ClinVar variation 1993157 (VCV001993157.4), dbSNP rs1420283955, ClinGen allele CA376377013.